The following is an entry in ClinVar:

ClinVar aggregate classification (germline): Conflicting classifications of pathogenicity. Review status: criteria provided, conflicting classifications (1 of 4 stars). 4 submissions from 4 submitters: Uncertain significance (2); Likely benign (2). Last evaluated 2025-12-21.

Conditions:
Ehlers-Danlos syndrome, classic type, 1 (EDSCL1). Also called: Ehlers-Danlos Syndrome, Classic Type, COL5A1-Related; EHLERS-DANLOS SYNDROME, GRAVIS TYPE; EHLERS-DANLOS SYNDROME, SEVERE CLASSIC TYPE; EDS I; Ehlers-Danlos syndrome, type 1. Identifiers: MedGen C0268335, MONDO:0019567, OMIM 130000.
Familial thoracic aortic aneurysm and aortic dissection (TAAD). Also called: Thoracic aortic aneurysms and dissections. Identifiers: Orphanet 91387, MedGen C4707243, MONDO:0019625.

Allele frequency attached by ClinVar (database versions not stated): gnomAD exomes 0.00001 and 0.00003; ExAC 0.00002; TOPMed 0.00003; ESP Exome Variant Server 0.00015; gnomAD 0.00001.
gnomAD v4.1: 21 of 1,613,608 alleles (0.0013%); highest among the groups gnomAD compares: Non-Finnish European, 0.000085%; no homozygotes.

Submissions (4):

Labcorp Genetics (formerly Invitae), Labcorp
Classification: Likely benign for Ehlers-Danlos syndrome, classic type, 1. Last evaluated: 2025-12-21. Review status: criteria provided, single submitter. Criteria: Invitae Variant Classification Sherloc (09022015). Collection method: clinical testing. Allele origin: germline.

GeneDx
Classification: Uncertain significance. Last evaluated: 2024-04-04. Review status: criteria provided, single submitter. Criteria: GeneDx Variant Classification Process June 2021. Collection method: clinical testing. Allele origin: germline. Affected: yes.
Comment: Has not been previously published as pathogenic or benign to our knowledge; Not located in the triple helical region, where the majority of pathogenic missense variants occur (PMID: 22696272; HGMD); In silico analysis supports that this missense variant has a deleterious effect on protein structure/function; This variant is associated with the following publications: (PMID: 22696272)

Ambry Genetics
Classification: Uncertain significance for Familial thoracic aortic aneurysm and aortic dissection. Last evaluated: 2021-09-16. Review status: criteria provided, single submitter. Criteria: Ambry Variant Classification Scheme 2023. Collection method: clinical testing. Allele origin: germline.
Comment: The p.Y1362C variant (also known as c.4085A>G), located in coding exon 52 of the COL5A2 gene, results from an A to G substitution at nucleotide position 4085. The tyrosine at codon 1362 is replaced by cysteine, an amino acid with highly dissimilar properties. This amino acid position is not well conserved in available vertebrate species. In addition, the in silico prediction for this alteration is inconclusive. Since supporting evidence is limited at this time, the clinical significance of this alteration remains unclear.

Blueprint Genetics
Classification: Likely benign. Last evaluated: 2019-09-04. Review status: criteria provided, single submitter. Criteria: ACMG Guidelines, 2015. Collection method: clinical testing. Allele origin: germline.

NM_000393.5(COL5A2):c.4085A>G (p.Tyr1362Cys)

Gene: COL5A2 (collagen type V alpha 2 chain; minus strand). Cytogenetic location: 2q32.2.
Variant type: single nucleotide variant.
Coding change: c.4085A>G on transcript NM_000393.5 (MANE Select); coding-DNA position 4085, A replaced by G.
Protein change: p.Tyr1362Cys; replaces tyrosine 1362 with cysteine.
Molecular consequence: missense variant.
Genome position (GRCh38, 1-based): chr2:189,036,644, T>C on the plus strand (A>G on the coding strand, the complement: COL5A2 is on the minus strand). VCF-style: chr2-189036644-T-C. GRCh37 (hg19) VCF-style: chr2-189901370-T-C.
Other names: short protein forms Y1362C.
Identifiers: ClinVar variation 573793 (VCV000573793.16), dbSNP rs141206016, ClinGen allele CA2021866.